The following is an entry in ClinVar:

NM_000431.4(MVK):c.790dup (p.Leu264fs)

Gene: MVK (mevalonate kinase; plus strand). Cytogenetic location: 12q24.11.
Variant type: Duplication.
Coding change: c.790dup on transcript NM_000431.4 (MANE Select); coding-DNA position 790, one base duplicated (C; older notation c.790dupC).
Protein change: p.Leu264fs; shifts the reading frame from leucine 264.
Molecular consequence: frameshift variant.
Genome position (GRCh38, 1-based): chr12:109,591,262, C duplicated; the last of 6 consecutive C bases (chr12:109,591,257-109,591,262); duplicating any one gives the same sequence. VCF-style (leftmost placement, unchanged base first): chr12-109591256-G-GC. GRCh37 (hg19) VCF-style: chr12-110029061-G-GC.
Other names: c.790dup, p.Leu264fs (NM_001114185.3); c.634dup, p.Leu212fs (NM_001301182.2); c.790dup, p.Leu264Profs (NM_001414511.1, NM_001414513.1); c.865dup, p.Leu289Profs (NM_001414512.1); c.634dup, p.Leu212Profs (NM_001414514.1); c.208dup, p.Leu70Profs (NM_001414515.1); short protein forms L212fs, L264fs.
Identifiers: ClinVar variation 2196384 (VCV002196384.5), dbSNP rs1885664895, ClinGen allele CA2062444311.
Genomic context (GRCh38, chr12:109,591,256, plus strand): 5'-GCCTGCCCCCAGGCCTCACCAGCCGTTCCTTCTTTTTTTCTCCAGTTCCCAGAGATCGTG[G>GC]CCCCCCTCCTGACCTCAATAGATGCCATCTCCCTGGAGTGTGAGCGCGTGCTGGGAGAGA-3'

ClinVar aggregate classification (germline): Pathogenic. Review status: criteria provided, multiple submitters, no conflicts (2 of 4 stars). 2 submissions from 2 submitters: Pathogenic (2). Last evaluated 2025-07-01.

Conditions:
Mevalonic aciduria (MEVA). Identifiers: Orphanet 29, MedGen C1959626, MONDO:0012481, OMIM 610377.
Porokeratosis 3, disseminated superficial actinic type (POROK3). Also called: POROKERATOSIS, DISSEMINATED SUPERFICIAL ACTINIC, 1; POROKERATOSIS 3, MULTIPLE TYPES; POROKERATOSIS 3, MIBELLI TYPE. Identifiers: MedGen C1867981, MONDO:0008293, OMIM 175900.
Hyperimmunoglobulin D with periodic fever (HIDS). Also called: Hyperimmunoglobulinemia D with periodic fever; HYPERIMMUNOGLOBULINEMIA D AND PERIODIC FEVER SYNDROME; Hyperimmunoglobulinemia D. Identifiers: Orphanet 343, MedGen C0398691, MONDO:0009849, OMIM 260920.
Deficiency of mevalonate kinase. Also called: Mevalonate kinase deficiency. Identifiers: Orphanet 309025, MedGen C0342731, MONDO:0017708.

Submissions (2):

Myriad Genetics, Inc.
Classification: Pathogenic for Deficiency of mevalonate kinase. Last evaluated: 2025-07-01. Review status: criteria provided, single submitter. Criteria: Myriad Autosomal Dominant, Autosomal Recessive and X-Linked Classification Criteria (2023). Collection method: clinical testing. Allele origin: unknown.
Comment: NM_000431.2(MVK):c.790dupC(L264Pfs*13) is expected to be pathogenic in the context of mevalonate kinase deficiency. This variant is predicted to lead to an abnormal or absent protein product due to the creation of a premature termination codon in MVK, a gene where loss-of-function variants are known to be pathogenic. Please note: this variant was assessed in the context of healthy population screening.

Labcorp Genetics (formerly Invitae), Labcorp
Classification: Pathogenic for Mevalonic aciduria; Hyperimmunoglobulin D with periodic fever; Porokeratosis 3, disseminated superficial actinic type. Last evaluated: 2023-11-28. Review status: criteria provided, single submitter. Criteria: Invitae Variant Classification Sherloc (09022015). Collection method: clinical testing. Allele origin: germline.
Comment: This sequence change creates a premature translational stop signal (p.Leu264Profs*13) in the MVK gene. It is expected to result in an absent or disrupted protein product. Loss-of-function variants in MVK are known to be pathogenic (PMID: 16835861, 17105862, 23834120). This variant is not present in population databases (gnomAD no frequency). This variant has not been reported in the literature in individuals affected with MVK-related conditions. ClinVar contains an entry for this variant (Variation ID: 2196384). For these reasons, this variant has been classified as Pathogenic.

Literature cited by the submitters: PubMed 16835861 (cited by Labcorp Genetics (formerly Invitae), Labcorp); PubMed 17105862 (cited by Labcorp Genetics (formerly Invitae), Labcorp); PubMed 23834120 (cited by Labcorp Genetics (formerly Invitae), Labcorp).